The following is an entry in ClinVar:

ClinVar aggregate classification (germline): Likely pathogenic (0 of 4 stars; one submission).

Conditions:
UGT1A1-related disorder. Also called: UGT1A1-related disorders; UGT1A1-related condition.

Submission:

PreventionGenetics, part of Exact Sciences
Classification: Likely pathogenic for UGT1A1-related condition. Last evaluated: 2024-08-02. Review status: no assertion criteria provided. Collection method: clinical testing. Allele origin: germline.
Comment: The UGT1A1 c.1435delC variant is predicted to result in a frameshift and premature protein termination (p.His479Thrfs*13). To our knowledge, this variant has not been reported in the literature or in a large population database, indicating this variant is rare. Other loss-of function variants located in the last exon and downstream this variant have been reported in individuals with Crigler-Najjar syndrome (see, for example, Sneitz et al. 2010. PubMed ID: 19830808, Kadakol et al. 2000. PubMed ID: 11013440; Minucci et al. 2015. PubMed ID: 25822733). Frameshift variants in UGT1A1 are expected to be pathogenic. This variant is interpreted as likely pathogenic.

NM_000463.3(UGT1A1):c.1435del (p.His479fs)

Genes: UGT1A (UDP glucuronosyltransferase family 1 member A complex locus; plus strand), UGT1A1 (UDP glucuronosyltransferase family 1 member A1; plus strand), UGT1A10 (UDP glucuronosyltransferase family 1 member A10; plus strand), UGT1A3 (UDP glucuronosyltransferase family 1 member A3; plus strand), UGT1A4 (UDP glucuronosyltransferase family 1 member A4; plus strand) and 5 more. Cytogenetic location: 2q37.1.
Variant type: Deletion.
Coding change: c.1435del on transcript NM_000463.3 (MANE Select); coding-DNA position 1435, one base deleted (C; older notation c.1435delC).
Protein change: p.His479fs; shifts the reading frame from histidine 479.
Molecular consequence: frameshift variant.
Genome position (GRCh38, 1-based): chr2:233,772,392, C deleted; the last of 3 consecutive C bases (chr2:233,772,390-233,772,392); deleting any one gives the same sequence. VCF-style (leftmost placement, unchanged base first): chr2-233772389-GC-G. GRCh37 (hg19) VCF-style: chr2-234681035-GC-G.
Other names: c.1426del, p.His476fs (NM_019075.4, NM_019076.5, NM_019077.3 and 1 more transcripts); c.1432del, p.His478fs (NM_001072.4); c.631del, p.His211fs (NM_205862.3); c.1438del, p.His480fs (NM_019078.2, NM_007120.3, NM_019093.4); short protein forms H211fs, H476fs, H478fs, H479fs, H480fs.
Identifiers: ClinVar variation 3347178 (VCV003347178.1).